The following is an entry in ClinVar:

NM_001256627.2(BRSK2):c.984C>T (p.Asn328=)

Gene: BRSK2 (BR serine/threonine kinase 2; plus strand). Cytogenetic location: 11p15.5.
Variant type: single nucleotide variant.
Coding change: c.984C>T on transcript NM_001256627.2 (MANE Select); coding-DNA position 984, C replaced by T.
Protein change: p.Asn328=; no amino-acid change (asparagine 328 retained).
Molecular consequence: synonymous variant. On other transcripts: non-coding transcript variant (1).
Genome position (GRCh38, 1-based): chr11:1,445,577, C>T. VCF-style: chr11-1445577-C-T. GRCh37 (hg19) VCF-style: chr11-1466807-C-T.
Other names: c.984C>T, p.Asn328= (NM_001256629.2, NM_003957.4); c.1122C>T, p.Asn374= (NM_001256630.1); c.804C>T, p.Asn268= (NM_001282218.2).
Identifiers: ClinVar variation 3036790 (VCV003036790.2), dbSNP rs758029662, ClinGen allele CA5810779.

ClinVar aggregate classification (germline): Likely benign (0 of 4 stars; one submission).

Conditions:
BRSK2-related disorder. Also called: BRSK2-related condition; BRSK2-Related Disorders.

Allele frequency attached by ClinVar (database versions not stated): ExAC 0.00003; TOPMed 0.00011; gnomAD 0.00013.
gnomAD v4.1: 32 of 1,577,018 alleles (0.002%); highest among the groups gnomAD compares: African/African-American, 0.039%; no homozygotes.

Submission:

PreventionGenetics, part of Exact Sciences
Classification: Likely benign for BRSK2-related condition. Last evaluated: 2021-12-03. Review status: no assertion criteria provided. Collection method: clinical testing. Allele origin: germline.
Comment: This variant is classified as likely benign based on ACMG/AMP sequence variant interpretation guidelines (Richards et al. 2015 PMID: 25741868, with internal and published modifications).